The following is an entry in ClinVar:

ClinVar aggregate classification (germline): Benign. Review status: criteria provided, multiple submitters, no conflicts (2 of 4 stars). 2 submissions from 2 submitters: Benign (2). Last evaluated 2018-06-19.

Allele frequency attached by ClinVar (database versions not stated): TOPMed 0.05914; gnomAD 0.06040 and 0.06122; 1000 Genomes Project 30x 0.06106; 1000 Genomes Project 0.06190.
gnomAD v4.1: 57,011 of 1,268,002 alleles (4.5%); highest among the groups gnomAD compares: African/African-American, 10%; 1,609 homozygotes.

Submissions (2):

GeneDx
Classification: Benign. Last evaluated: 2018-06-19. Review status: criteria provided, single submitter. Criteria: GeneDx Variant Classification (06012015). Collection method: clinical testing. Allele origin: germline. Affected: yes.
Comment: This variant is considered likely benign or benign based on one or more of the following criteria: it is a conservative change, it occurs at a poorly conserved position in the protein, it is predicted to be benign by multiple in silico algorithms, and/or has population frequency not consistent with disease.

Breakthrough Genomics
Classification: Benign. Review status: criteria provided, single submitter. Criteria: ACMG Guidelines, 2015. Collection method: not provided. Allele origin: germline. Inheritance: Autosomal recessive inheritance. Affected: yes.

NM_173630.4(RTTN):c.4748-70A>G

Gene: RTTN (rotatin; minus strand). Cytogenetic location: 18q22.2.
Variant type: single nucleotide variant.
Coding change: c.4748-70A>G on transcript NM_173630.4 (MANE Select); 70 bases into the intron before coding-DNA position 4748, A replaced by G.
Molecular consequence: intron variant.
Genome position (GRCh38, 1-based): chr18:70,060,112, T>C on the plus strand (A>G on the coding strand, the complement: RTTN is on the minus strand). VCF-style: chr18-70060112-T-C. GRCh37 (hg19) VCF-style: chr18-67727348-T-C.
Other names: c.2012-70A>G (NM_001318520.2).
Identifiers: ClinVar variation 673149 (VCV000673149.2), dbSNP rs73964489, ClinGen allele CA301946685.
Genomic context (GRCh38, chr18:70,060,112, plus strand): 5'-AAAATAAACATAAGAATTATTATTTACCTTACAGCTATGTACAATACTCAAAAGTTCTTA[T>C]AATCATAGGAAAGTTCCTGAAAATGATAATGTATAGTTGGGGAATTGCCTTAGCTTCTTG-3'